The following is an entry in ClinVar:

NM_002047.4(GARS1):c.1474G>A (p.Val492Ile)

Gene: GARS1 (glycyl-tRNA synthetase 1; plus strand). Cytogenetic location: 7p14.3.
Variant type: single nucleotide variant.
Coding change: c.1474G>A on transcript NM_002047.4 (MANE Select); coding-DNA position 1474, G replaced by A.
Protein change: p.Val492Ile; replaces valine 492 with isoleucine.
Molecular consequence: missense variant.
Genome position (GRCh38, 1-based): chr7:30,622,323, G>A. VCF-style: chr7-30622323-G-A. GRCh37 (hg19) VCF-style: chr7-30661939-G-A.
Other names: c.1312G>A, p.Val438Ile (NM_001316772.1); short protein forms V438I, V492I.
Identifiers: ClinVar variation 2502760 (VCV002502760.1), dbSNP rs1252857159, ClinGen allele CA367128520.

ClinVar aggregate classification (germline): Uncertain significance (1 of 4 stars; one submission).

Allele frequency attached by ClinVar (database versions not stated): gnomAD exomes below 0.00001.
gnomAD v4.1: 1 of 1,614,122 alleles (0.000062%); highest among the groups gnomAD compares: Admixed American, 0.0017%; no homozygotes.

Submission:

GeneDx
Classification: Uncertain significance. Last evaluated: 2022-11-18. Review status: criteria provided, single submitter. Criteria: GeneDx Variant Classification Process June 2021. Collection method: clinical testing. Allele origin: germline. Affected: yes.
Comment: Not observed at significant frequency in large population cohorts (gnomAD); In silico analysis supports that this missense variant does not alter protein structure/function; Has not been previously published as pathogenic or benign to our knowledge; This variant is associated with the following publications: (PMID: 25168514, 26503042, 26138142)